The following is an entry in ClinVar:

NM_001371986.1(UNC80):c.3435G>T (p.Glu1145Asp)

Gene: UNC80 (unc-80 subunit of NALCN channel complex; plus strand). Cytogenetic location: 2q34.
Variant type: single nucleotide variant.
Coding change: c.3435G>T on transcript NM_001371986.1 (MANE Select); coding-DNA position 3435, G replaced by T.
Protein change: p.Glu1145Asp; replaces glutamic acid 1145 with aspartic acid.
Molecular consequence: missense variant.
Genome position (GRCh38, 1-based): chr2:209,842,427, G>T. VCF-style: chr2-209842427-G-T. GRCh37 (hg19) VCF-style: chr2-210707151-G-T.
Other names: c.3441G>T, p.Glu1147Asp (NM_032504.2); c.3426G>T, p.Glu1142Asp (NM_182587.4); short protein forms E1142D, E1145D, E1147D.
Identifiers: ClinVar variation 1901209 (VCV001901209.5), dbSNP rs1209058549, ClinGen allele CA350732300.

ClinVar aggregate classification (germline): Uncertain significance (1 of 4 stars; one submission).

Allele frequency attached by ClinVar (database versions not stated): gnomAD exomes below 0.00001.

Submission:

Labcorp Genetics (formerly Invitae), Labcorp
Classification: Uncertain significance. Last evaluated: 2023-05-22. Review status: criteria provided, single submitter. Criteria: Invitae Variant Classification Sherloc (09022015). Collection method: clinical testing. Allele origin: germline.
Comment: In summary, the available evidence is currently insufficient to determine the role of this variant in disease. Therefore, it has been classified as a Variant of Uncertain Significance. ClinVar contains an entry for this variant (Variation ID: 1901209). Algorithms developed to predict the effect of missense changes on protein structure and function output the following: SIFT: "Not Available"; PolyPhen-2: "Probably Damaging"; Align-GVGD: "Not Available". The aspartic acid amino acid residue is found in multiple mammalian species, which suggests that this missense change does not adversely affect protein function. This sequence change replaces glutamic acid, which is acidic and polar, with aspartic acid, which is acidic and polar, at codon 1147 of the UNC80 protein (p.Glu1147Asp). This variant is present in population databases (no rsID available, gnomAD 0.004%). This variant has not been reported in the literature in individuals affected with UNC80-related conditions.